The following is an entry in ClinVar:

ClinVar aggregate classification (germline): Benign. Review status: criteria provided, multiple submitters, no conflicts (2 of 4 stars). 6 submissions from 6 submitters: Benign (4). 2 of the submissions do not count toward it. Last evaluated 2024-11-26.

Allele frequency attached by ClinVar (database versions not stated): 1000 Genomes Project 0.03195; gnomAD exomes 0.03203 and 0.02796; gnomAD 0.03354 and 0.03368; 1000 Genomes Project 30x 0.03748; TOPMed 0.03867; ExAC 0.06355.
gnomAD v4.1: 23,925 of 741,044 alleles (3.2%); highest among the groups gnomAD compares: Middle Eastern, 5.5%; 499 homozygotes.

Submissions (6):

Blueprint Genetics
Classification: Benign. Last evaluated: 2024-11-26. Review status: criteria provided, single submitter. Criteria: ACMG Guidelines, 2015. Collection method: clinical testing. Allele origin: germline.

GeneDx
Classification: Benign. Last evaluated: 2016-02-26. Review status: criteria provided, single submitter. Criteria: GeneDx Variant Classification (06012015). Collection method: clinical testing. Allele origin: germline. Affected: yes.
Comment: This variant is considered likely benign or benign based on one or more of the following criteria: it is a conservative change, it occurs at a poorly conserved position in the protein, it is predicted to be benign by multiple in silico algorithms, and/or has population frequency not consistent with disease.

Breakthrough Genomics
Classification: Benign. Review status: criteria provided, single submitter. Criteria: ACMG Guidelines, 2015. Collection method: not provided. Allele origin: germline. Inheritance: Autosomal recessive inheritance. Affected: yes.

PreventionGenetics, part of Exact Sciences
Classification: Benign. Review status: criteria provided, single submitter. Criteria: ACMG Guidelines, 2015. Collection method: clinical testing. Allele origin: germline.

Genome Diagnostics Laboratory, University Medical Center Utrecht
Classification: Benign. Review status: no assertion criteria provided. Collection method: clinical testing. Allele origin: germline. Affected: yes. Study: VKGL Data-share Consensus. Not counted in ClinVar's aggregate classification.

Laboratory of Diagnostic Genome Analysis, Leiden University Medical Center (LUMC)
Classification: Likely benign. Review status: no assertion criteria provided. Collection method: clinical testing. Allele origin: germline. Affected: yes. Study: VKGL Data-share Consensus. Not counted in ClinVar's aggregate classification.

NM_001164508.2(NEB):c.16284+11A>G

Gene: NEB (nebulin; minus strand). Cytogenetic location: 2q23.3.
Variant type: single nucleotide variant.
Coding change: c.16284+11A>G on transcript NM_001164508.2 (MANE Select); 11 bases into the intron after coding-DNA position 16284, A replaced by G.
Molecular consequence: intron variant.
Genome position (GRCh38, 1-based): chr2:151,581,472, T>C on the plus strand (A>G on the coding strand, the complement: NEB is on the minus strand). VCF-style: chr2-151581472-T-C. GRCh37 (hg19) VCF-style: chr2-152437986-T-C.
Other names: c.11602-5118A>G (NM_004543.5); c.16284+11A>G (NM_001164507.2, NM_001271208.2).
Identifiers: ClinVar variation 257759 (VCV000257759.5), dbSNP rs367881797, ClinGen allele CA1908428.